The following is an entry in ClinVar:

NM_152383.5(DIS3L2):c.2171G>A (p.Arg724Gln)

Gene: DIS3L2 (DIS3 like 3'-5' exoribonuclease 2; plus strand). Cytogenetic location: 2q37.1.
Variant type: single nucleotide variant.
Coding change: c.2171G>A on transcript NM_152383.5 (MANE Select); coding-DNA position 2171, G replaced by A.
Protein change: p.Arg724Gln; replaces arginine 724 with glutamine.
Molecular consequence: missense variant. On other transcripts: non-coding transcript variant (2), intron variant (1).
Genome position (GRCh38, 1-based): chr2:232,334,381, G>A. VCF-style: chr2-232334381-G-A. GRCh37 (hg19) VCF-style: chr2-233199091-G-A.
Other names: c.1582-8964G>A (NM_001257281.2); short protein forms R724Q.
Identifiers: ClinVar variation 577038 (VCV000577038.9), dbSNP rs760824995, ClinGen allele CA2164437.

ClinVar aggregate classification (germline): Conflicting classifications of pathogenicity. Review status: criteria provided, conflicting classifications (1 of 4 stars). 2 submissions from 2 submitters: Uncertain significance (1); Likely benign (1). Last evaluated 2025-12-17.

Conditions:
Inborn genetic diseases. Identifiers: MedGen C0950123, MeSH D030342.
Perlman syndrome (PRLMNS). Identifiers: Orphanet 2849, MedGen C0796113, MONDO:0009965, OMIM 267000.

Allele frequency attached by ClinVar (database versions not stated): gnomAD exomes 0.00002 and 0.00006; TOPMed 0.00002; ExAC 0.00003.
gnomAD v4.1: 26 of 1,613,534 alleles (0.0016%); highest among the groups gnomAD compares: East Asian, 0.029%; no homozygotes.

Submissions (2):

Labcorp Genetics (formerly Invitae), Labcorp
Classification: Uncertain significance for Perlman syndrome. Last evaluated: 2025-12-17. Review status: criteria provided, single submitter. Criteria: Invitae Variant Classification Sherloc (09022015). Collection method: clinical testing. Allele origin: germline.
Comment: This sequence change replaces arginine, which is basic and polar, with glutamine, which is neutral and polar, at codon 724 of the DIS3L2 protein (p.Arg724Gln). This variant is present in population databases (rs760824995, gnomAD 0.07%). This variant has not been reported in the literature in individuals affected with DIS3L2-related conditions. ClinVar contains an entry for this variant (Variation ID: 577038). Invitae Evidence Modeling of protein sequence and biophysical properties (such as structural, functional, and spatial information, amino acid conservation, physicochemical variation, residue mobility, and thermodynamic stability) indicates that this missense variant is not expected to disrupt DIS3L2 protein function with a negative predictive value of 80%. In summary, the available evidence is currently insufficient to determine the role of this variant in disease. Therefore, it has been classified as a Variant of Uncertain Significance.

Ambry Genetics
Classification: Likely benign for Inborn genetic diseases. Last evaluated: 2023-10-05. Review status: criteria provided, single submitter. Criteria: Ambry Variant Classification Scheme 2023. Collection method: clinical testing. Allele origin: germline.